The following is an entry in ClinVar:

NM_001220.5(CAMK2B):c.1433T>G (p.Leu478Arg)

Gene: CAMK2B (calcium/calmodulin dependent protein kinase II beta; minus strand). Cytogenetic location: 7p13.
Variant type: single nucleotide variant.
Coding change: c.1433T>G on transcript NM_001220.5 (MANE Select); coding-DNA position 1433, T replaced by G.
Protein change: p.Leu478Arg; replaces leucine 478 with arginine.
Molecular consequence: missense variant. On other transcripts: intron variant (8).
Genome position (GRCh38, 1-based): chr7:44,228,831, A>C on the plus strand (T>G on the coding strand, the complement: CAMK2B is on the minus strand). VCF-style: chr7-44228831-A-C. GRCh37 (hg19) VCF-style: chr7-44268430-A-C.
Other names: c.947-7930T>G (NM_172084.3); c.1150+2175T>G (NM_172080.3); c.1036+2175T>G (NM_172083.3); c.1108+2175T>G (NM_172081.3); c.1153+2175T>G (NM_172079.3, NM_172082.3); c.1225+2175T>G (NM_001293170.2, NM_172078.3); short protein forms L478R.
Identifiers: ClinVar variation 2818960 (VCV002818960.3), dbSNP rs1422587566, ClinGen allele CA367372984.

ClinVar aggregate classification (germline): Uncertain significance (1 of 4 stars; one submission).

Allele frequency attached by ClinVar (database versions not stated): gnomAD 0.00001; TOPMed 0.00001.

Submission:

Labcorp Genetics (formerly Invitae), Labcorp
Classification: Uncertain significance. Last evaluated: 2023-07-31. Review status: criteria provided, single submitter. Criteria: Invitae Variant Classification Sherloc (09022015). Collection method: clinical testing. Allele origin: germline.
Comment: This sequence change replaces leucine, which is neutral and non-polar, with arginine, which is basic and polar, at codon 478 of the CAMK2B protein (p.Leu478Arg). This variant is not present in population databases (gnomAD no frequency). This variant has not been reported in the literature in individuals affected with CAMK2B-related conditions. An algorithm developed to predict the effect of missense changes on protein structure and function (PolyPhen-2) suggests that this variant is likely to be tolerated. In summary, the available evidence is currently insufficient to determine the role of this variant in disease. Therefore, it has been classified as a Variant of Uncertain Significance.